The following is an entry in ClinVar:

NM_032043.3(BRIP1):c.427_428delinsGG (p.Gln143Gly)

Gene: BRIP1 (BRCA1 interacting DNA helicase 1; minus strand). Cytogenetic location: 17q23.2.
Variant type: Indel.
Coding change: c.427_428delinsGG on transcript NM_032043.3 (MANE Select); coding-DNA positions 427 to 428, CA replaced by GG.
Protein change: p.Gln143Gly; replaces glutamine 143 with glycine.
Molecular consequence: missense variant.
Genome position (GRCh38, 1-based): chr17:61,849,208-61,849,209, TG replaced by CC on the plus strand (CA replaced by GG on the coding strand, the reverse complement: BRIP1 is on the minus strand). VCF-style: chr17-61849208-TG-CC. GRCh37 (hg19) VCF-style: chr17-59926569-TG-CC.
Other names: short protein forms Q143G.
Identifiers: ClinVar variation 1739256 (VCV001739256.5), dbSNP rs2545421148, ClinGen allele CA2580094514.

ClinVar aggregate classification (germline): Uncertain significance. Review status: criteria provided, multiple submitters, no conflicts (2 of 4 stars). 2 submissions from 2 submitters: Uncertain significance (2). Last evaluated 2025-11-23.

Conditions:
Fanconi anemia complementation group J. Also called: BRIP1-Related Fanconi Anemia. Identifiers: Orphanet 84, MedGen C1836860, MONDO:0012187, OMIM 609054.
Familial cancer of breast. Also called: BREAST CANCER, FAMILIAL; Hereditary breast cancer; hereditary breast carcinoma. Identifiers: Orphanet 227535, MedGen C0346153, MONDO:0016419, OMIM 114480. Disease mechanism: loss of function.
Hereditary cancer-predisposing syndrome. Also called: Neoplastic Syndromes, Hereditary; Tumor predisposition; Hereditary Cancer Syndrome; Hereditary neoplastic syndrome. Identifiers: Orphanet 140162, MedGen C0027672, MeSH D009386, MONDO:0015356.

Submissions (2):

Labcorp Genetics (formerly Invitae), Labcorp
Classification: Uncertain significance for Familial cancer of breast; Fanconi anemia complementation group J. Last evaluated: 2025-11-23. Review status: criteria provided, single submitter. Criteria: Invitae Variant Classification Sherloc (09022015). Collection method: clinical testing. Allele origin: germline.
Comment: This sequence change replaces glutamine, which is neutral and polar, with glycine, which is neutral and non-polar, at codon 143 of the BRIP1 protein (p.Gln143Gly). Information on the frequency of this variant in the gnomAD database is not available, as this variant may be reported differently in the database. This variant has not been reported in the literature in individuals affected with BRIP1-related conditions. ClinVar contains an entry for this variant (Variation ID: 1739256). An algorithm developed to predict the effect of missense changes on protein structure and function (PolyPhen-2) suggests that this variant is likely to be disruptive. In summary, the available evidence is currently insufficient to determine the role of this variant in disease. Therefore, it has been classified as a Variant of Uncertain Significance.

Ambry Genetics
Classification: Uncertain significance for Hereditary cancer-predisposing syndrome. Last evaluated: 2021-06-02. Review status: criteria provided, single submitter. Criteria: Ambry Variant Classification Scheme 2023. Collection method: clinical testing. Allele origin: germline.
Comment: The c.427_428delCAinsGG variant, located in coding exon 4 of the BRIP1 gene, results from an in-frame deletion of CA and insertion of GG at nucleotide positions 427 to 428. This results in the substitution of the glutamine residue for a glycine residue at codon 143, an amino acid with similar properties. This amino acid position is well conserved in available vertebrate species. In addition, this alteration is predicted to be neutral by in silico analysis (Choi Y et al. PLoS ONE. 2012; 7(10):e46688). Since supporting evidence is limited at this time, the clinical significance of this alteration remains unclear.